The following is an entry in ClinVar:

NC_000010.11:g.(?_51074581)_(51074911_?)dup

Gene: PRKG1 (protein kinase cGMP-dependent 1; plus strand). Cytogenetic location: 10q11.23.
Variant type: Duplication.
Identifiers: ClinVar variation 832236 (VCV000832236.5).

ClinVar aggregate classification (germline): Uncertain significance (1 of 4 stars; one submission).

Conditions:
Aortic aneurysm, familial thoracic 8 (AAT8). Identifiers: MedGen C3809513, MONDO:0014187, OMIM 615436.

Submission:

Labcorp Genetics (formerly Invitae), Labcorp
Classification: Uncertain significance for Aortic aneurysm, familial thoracic 8. Last evaluated: 2019-07-22. Review status: criteria provided, single submitter. Criteria: Invitae Variant Classification Sherloc (09022015). Collection method: clinical testing. Allele origin: germline.
Comment: This variant results in a copy number gain of the genomic region encompassing exon 1 of the PRKG1 gene. The 5' end of this event is unknown as it extends beyond the assayed region for this gene and therefore may encompass additional genes. The 3' boundary is likely confined to intron 1 of the PRKG1 gene, which includes the initiator codon. As the precise location of this event is unknown, it may be in tandem or it may be located elsewhere in the genome. This variant has not been reported in the literature in individuals with PRKG1-related conditions. Experimental studies and prediction algorithms are not available for this variant, and the functional significance of the affected amino acid(s) is currently unknown. In summary, the available evidence is currently insufficient to determine the role of this variant in disease. Therefore, it has been classified as a Variant of Uncertain Significance.